The following is an entry in ClinVar:

ClinVar aggregate classification (germline): Uncertain significance (1 of 4 stars; one submission).

Conditions:
Charcot-Marie-Tooth disease type 2E (CMT2E). Also called: CHARCOT-MARIE-TOOTH DISEASE, AXONAL, TYPE 2E; CHARCOT-MARIE-TOOTH NEUROPATHY, TYPE 2E. Identifiers: Orphanet 99939, MedGen C1843225, MONDO:0011894, OMIM 607684.

Submission:

Labcorp Genetics (formerly Invitae), Labcorp
Classification: Uncertain significance for Charcot-Marie-Tooth disease type 2E. Last evaluated: 2021-01-26. Review status: criteria provided, single submitter. Criteria: Invitae Variant Classification Sherloc (09022015). Collection method: clinical testing. Allele origin: germline.
Comment: This variant, c.62_64delinsTTT, is a complex sequence change that results in the deletion of 2 and insertion of 2 amino acid(s) in the NEFL protein (p.Thr21_Pro22delinsIleSer). The frequency data for this variant in the population databases is not available, as this variant may be reported as separate entries in the ExAC database. In summary, the available evidence is currently insufficient to determine the role of this variant in disease. Therefore, it has been classified as a Variant of Uncertain Significance. Experimental studies and prediction algorithms are not available or were not evaluated, and the functional significance of this variant is currently unknown. This variant has not been reported in the literature in individuals with NEFL-related conditions.

NM_006158.5(NEFL):c.62_64delinsTTT (p.Thr21_Pro22delinsIleSer)

Gene: NEFL (neurofilament light chain; minus strand). Cytogenetic location: 8p21.2.
Variant type: Indel.
Coding change: c.62_64delinsTTT on transcript NM_006158.5 (MANE Select); coding-DNA positions 62 to 64, CGC replaced by TTT.
Protein change: p.Thr21_Pro22delinsIleSer.
Molecular consequence: missense variant.
Genome position (GRCh38, 1-based): chr8:24,956,452-24,956,454, GCG replaced by AAA on the plus strand (CGC replaced by TTT on the coding strand, the reverse complement: NEFL is on the minus strand). VCF-style: chr8-24956452-GCG-AAA. GRCh37 (hg19) VCF-style: chr8-24813966-GCG-AAA.
Identifiers: ClinVar variation 1482235 (VCV001482235.8), dbSNP rs2117255966, ClinGen allele CA2573142647.
Genomic context (GRCh38, chr8:24,956,452, plus strand): 5'-TGGAGTAAGCTGAGCGTGCGGTGCTGTAGCCGCTGCGCACGCTGGAGATGTGCACCCGGG[GCG>AAA]TCTCCACGTAGCGCCGCTTGTAGGAGGTCGAGTAGTACGGCTCGTAGCTGAAGGAACTCA-3'